The following is an entry in ClinVar:

ClinVar aggregate classification (germline): Uncertain significance (1 of 4 stars; one submission).

Conditions:
Ellis-van Creveld syndrome (EVC). Also called: MESOECTODERMAL DYSPLASIA; EVC-Related Ellis-van Creveld Syndrome; EVC2-Related Ellis-van Creveld Syndrome; Chondroectodermal dysplasia. Identifiers: Orphanet 289, MedGen C0013903, MONDO:0009162, OMIM 225500.
Curry-Hall syndrome (WAD). Also called: WEYERS ACRODENTAL DYSOSTOSIS. Identifiers: Orphanet 952, MedGen C0457013, MONDO:0008673, OMIM 193530.

Submission:

Labcorp Genetics (formerly Invitae), Labcorp
Classification: Uncertain significance for Curry-Hall syndrome; Ellis-van Creveld syndrome. Last evaluated: 2025-06-25. Review status: criteria provided, single submitter. Criteria: Invitae Variant Classification Sherloc (09022015). Collection method: clinical testing. Allele origin: germline.
Comment: This sequence change replaces lysine, which is basic and polar, with methionine, which is neutral and non-polar, at codon 450 of the EVC2 protein (p.Lys450Met). This variant is not present in population databases (gnomAD no frequency). This variant has not been reported in the literature in individuals affected with EVC2-related conditions. An algorithm developed to predict the effect of missense changes on protein structure and function (PolyPhen-2) suggests that this variant is likely to be disruptive. In summary, the available evidence is currently insufficient to determine the role of this variant in disease. Therefore, it has been classified as a Variant of Uncertain Significance.

NM_147127.5(EVC2):c.1349A>T (p.Lys450Met)

Genes: EVC2 (EvC ciliary complex subunit 2; minus strand), LOC126806961 (BRD4-independent group 4 enhancer GRCh37_chr4:5641443-5642642; plus strand). Cytogenetic location: 4p16.2.
Variant type: single nucleotide variant.
Coding change: c.1349A>T on transcript NM_147127.5 (MANE Select); coding-DNA position 1349, A replaced by T.
Protein change: p.Lys450Met; replaces lysine 450 with methionine.
Molecular consequence: missense variant.
Genome position (GRCh38, 1-based): chr4:5,640,635, T>A on the plus strand (A>T on the coding strand, the complement: EVC2 is on the minus strand). VCF-style: chr4-5640635-T-A. GRCh37 (hg19) VCF-style: chr4-5642362-T-A.
Other names: c.1109A>T, p.Lys370Met (NM_001166136.2); short protein forms K370M, K450M.
Identifiers: ClinVar variation 4794200 (VCV004794200.1).